The following is an entry in ClinVar:

NM_001376.5(DYNC1H1):c.13855A>G (p.Ile4619Val)

Gene: DYNC1H1 (dynein cytoplasmic 1 heavy chain 1; plus strand). Cytogenetic location: 14q32.31.
Variant type: single nucleotide variant.
Coding change: c.13855A>G on transcript NM_001376.5 (MANE Select); coding-DNA position 13855, A replaced by G.
Protein change: p.Ile4619Val; replaces isoleucine 4619 with valine.
Molecular consequence: missense variant.
Genome position (GRCh38, 1-based): chr14:102,050,477, A>G. VCF-style: chr14-102050477-A-G. GRCh37 (hg19) VCF-style: chr14-102516814-A-G.
Other names: short protein forms I4619V.
Identifiers: ClinVar variation 246487 (VCV000246487.15), dbSNP rs879254286, ClinGen allele CA10584483.

ClinVar aggregate classification (germline): Conflicting classifications of pathogenicity. Review status: criteria provided, conflicting classifications (1 of 4 stars). 4 submissions from 4 submitters: Uncertain significance (3); Likely benign (1). Last evaluated 2024-06-06.

Conditions:
Cortical dysplasia, complex, with other brain malformations 13. Also called: Intellectual disability, autosomal dominant 13. Identifiers: MedGen C3281202, MONDO:0013805, OMIM 614563.
Charcot-Marie-Tooth disease axonal type 2O. Also called: Charcot-Marie-Tooth disease, axonal, type 20; CHARCOT-MARIE-TOOTH NEUROPATHY, AXONAL, TYPE 2O; CHARCOT-MARIE-TOOTH DISEASE, AXONAL, AUTOSOMAL DOMINANT, TYPE 2O; Charcot-Marie-Tooth Neuropathy Type 2O. Identifiers: Orphanet 284232, MedGen C3280220, MONDO:0013644, OMIM 614228.
Inborn genetic diseases. Identifiers: MedGen C0950123, MeSH D030342.

Allele frequency attached by ClinVar (database versions not stated): gnomAD exomes below 0.00001.
gnomAD v4.1: 5 of 1,613,940 alleles (0.00031%); highest among the groups gnomAD compares: Admixed American, 0.0067%; no homozygotes.

Submissions (4):

Labcorp Genetics (formerly Invitae), Labcorp
Classification: Likely benign for Charcot-Marie-Tooth disease axonal type 2O. Last evaluated: 2024-06-06. Review status: criteria provided, single submitter. Criteria: Invitae Variant Classification Sherloc (09022015). Collection method: clinical testing. Allele origin: germline.

Ambry Genetics
Classification: Uncertain significance for Inborn genetic diseases. Last evaluated: 2024-05-30. Review status: criteria provided, single submitter. Criteria: Ambry Variant Classification Scheme 2023. Collection method: clinical testing. Allele origin: germline.

New York Genome Center
Classification: Uncertain significance for Cortical dysplasia, complex, with other brain malformations 13. Last evaluated: 2021-08-27. Review status: criteria provided, single submitter. Criteria: NYGC Assertion Criteria 2020. Collection method: clinical testing. Allele origin: germline. Observed: 1 heterozygote. Study: CSER-NYCKidSeq.
Comment: The c.13855A>G (p.Ile4619Val) variant identified in the DYNC1H1 gene substitutes a very well conserved Isoleucine for Valine at amino acid 4619/4647 (exon 78/78). This variant is found with low frequency in gnomAD(v2.1.1)(1 heterozygote, 0 homozygotes; allele frequency: 3.98e-6) suggesting it is not a common benign variant in the populations represented in that database. In silico algorithms predict this variant to be Damaging (SIFT; score:0.007) and Benign(REVEL; score:0.2849) to the function of the canonical transcript. This variant is reported in ClinVar as a Variant of Uncertain Significance (VarID:246487), and to our current knowledge has not been reported in affected individuals in the literature. The p.Ile4619 residue is not within a mapped domain of DYNC1H1(UniProtKB:Q14204). Given the lack of compelling evidence for its pathogenicity, the c.13855A>G (p.Ile4619Val) variant identified in the DYNC1H1 gene is reported as a Variant of Uncertain Significance.

GeneDx
Classification: Uncertain significance. Last evaluated: 2017-02-20. Review status: criteria provided, single submitter. Criteria: GeneDx Variant Classification (06012015). Collection method: clinical testing. Allele origin: germline. Affected: yes.
Comment: The I4619V variant has not been published as a pathogenic variant, nor has it been reported as a benign variant to our knowledge. It was not observed in approximately 6,500 individuals of European and African American ancestry in the NHLBI Exome Sequencing Project, indicating it is not a common benign variant in these populations. This substitution occurs at a position that is conserved across species. However, the I4619V variant is a conservative amino acid substitution, which is not likely to impact secondary protein structure as these residues share similar properties. In silico analysis is inconsistent in its predictions as to whether or not the variant is damaging to the protein structure/function. Therefore, based on the currently available information, it is unclear whether this variant is a pathogenic variant or a rare benign variant.